The following is an entry in ClinVar:

NC_000009.12:g.35658097C>A

Gene: RMRP (RNA component of mitochondrial RNA processing endoribonuclease; minus strand). Cytogenetic location: 9p13.3.
Variant type: single nucleotide variant.
Genome position: GRCh38 VCF-style: chr9-35658097-C-A. GRCh37 (hg19) VCF-style: chr9-35658094-C-A.
Identifiers: ClinVar variation 1370455 (VCV001370455.4), dbSNP rs1421770576, ClinGen allele CA2573144667.

ClinVar aggregate classification (germline): Uncertain significance (1 of 4 stars; one submission).

Conditions:
Anauxetic dysplasia. Identifiers: Orphanet 93347, MedGen C1846796, MONDO:0011773.

Allele frequency attached by ClinVar (database versions not stated): gnomAD exomes below 0.00001.

Submission:

Labcorp Genetics (formerly Invitae), Labcorp
Classification: Uncertain significance for Anauxetic dysplasia. Last evaluated: 2024-08-30. Review status: criteria provided, single submitter. Criteria: Invitae Variant Classification Sherloc (09022015). Collection method: clinical testing. Allele origin: germline.
Comment: This variant occurs in the RMRP gene, which encodes an RNA molecule that does not result in a protein product. This variant is not present in population databases (gnomAD no frequency). This variant has not been reported in the literature in individuals affected with RMRP-related conditions. Experimental studies and prediction algorithms are not available or were not evaluated, and the functional significance of this variant is currently unknown. In summary, the available evidence is currently insufficient to determine the role of this variant in disease. Therefore, it has been classified as a Variant of Uncertain Significance.